The following is an entry in ClinVar:

ClinVar aggregate classification (germline): Uncertain significance (1 of 4 stars; one submission).

Submission:

Labcorp Genetics (formerly Invitae), Labcorp
Classification: Uncertain significance. Last evaluated: 2022-02-19. Review status: criteria provided, single submitter. Criteria: Invitae Variant Classification Sherloc (09022015). Collection method: clinical testing. Allele origin: germline.
Comment: This sequence change replaces glutamic acid, which is acidic and polar, with glutamine, which is neutral and polar, at codon 231 of the ZIC1 protein (p.Glu231Gln). This variant is not present in population databases (gnomAD no frequency). This variant has not been reported in the literature in individuals affected with ZIC1-related conditions. Algorithms developed to predict the effect of missense changes on protein structure and function (SIFT, PolyPhen-2, Align-GVGD) all suggest that this variant is likely to be disruptive. In summary, the available evidence is currently insufficient to determine the role of this variant in disease. Therefore, it has been classified as a Variant of Uncertain Significance.

NM_003412.4(ZIC1):c.691G>C (p.Glu231Gln)

Gene: ZIC1 (Zic family zinc finger 1; plus strand). Cytogenetic location: 3q24.
Variant type: single nucleotide variant.
Coding change: c.691G>C on transcript NM_003412.4 (MANE Select); coding-DNA position 691, G replaced by C.
Protein change: p.Glu231Gln; replaces glutamic acid 231 with glutamine.
Molecular consequence: missense variant.
Genome position (GRCh38, 1-based): chr3:147,410,803, G>C. VCF-style: chr3-147410803-G-C. GRCh37 (hg19) VCF-style: chr3-147128590-G-C.
Other names: short protein forms E231Q.
Identifiers: ClinVar variation 2099386 (VCV002099386.4), dbSNP rs1177871145, ClinGen allele CA354897254.